The following is an entry in ClinVar:

ClinVar aggregate classification (germline): Uncertain significance (1 of 4 stars; one submission).

Conditions:
Epidermolysis bullosa simplex 3, localized or generalized intermediate, with BP230 deficiency (EBS3). Also called: Epidermolysis bullosa simplex due to BP230 deficiency; Epidermolysis bullosa simplex, autosomal recessive 2. Identifiers: Orphanet 412181, MedGen C3809470, MONDO:0014180, OMIM 615425.
Hereditary sensory and autonomic neuropathy type 6. Also called: Neuropathy, hereditary sensory and autonomic, type VI; HSAN VI. Identifiers: Orphanet 314381, MedGen C3539003, MONDO:0013839, OMIM 614653.

Allele frequency attached by ClinVar (database versions not stated): gnomAD exomes below 0.00001; ExAC 0.00001; gnomAD 0.00001; 1000 Genomes Project 0.00020.
gnomAD v4.1: 1 of 1,614,020 alleles (0.000062%); highest among the groups gnomAD compares: East Asian, 0.0022%; no homozygotes.

Submission:

Labcorp Genetics (formerly Invitae), Labcorp
Classification: Uncertain significance for Epidermolysis bullosa simplex 3, localized or generalized intermediate, with BP230 deficiency; Hereditary sensory and autonomic neuropathy type 6. Last evaluated: 2019-04-15. Review status: criteria provided, single submitter. Criteria: Invitae Variant Classification Sherloc (09022015). Collection method: clinical testing. Allele origin: germline.
Comment: In summary, the available evidence is currently insufficient to determine the role of this variant in disease. Therefore, it has been classified as a Variant of Uncertain Significance. Algorithms developed to predict the effect of missense changes on protein structure and function (SIFT, PolyPhen-2, Align-GVGD) all suggest that this variant is likely to be tolerated, but these predictions have not been confirmed by published functional studies and their clinical significance is uncertain. This variant has not been reported in the literature in individuals with DST-related conditions. This variant is present in population databases (rs535584360, ExAC 0.01%). This sequence change replaces glutamine with glutamic acid at codon 1988 of the DST protein (p.Gln1988Glu). The glutamine residue is moderately conserved and there is a small physicochemical difference between glutamine and glutamic acid.

NM_001723.7(DST):c.5962C>G (p.Gln1988Glu)

Gene: DST (dystonin; minus strand). Cytogenetic location: 6p12.1.
Variant type: single nucleotide variant.
Coding change: c.5962C>G on transcript NM_001723.7 (MANE Plus Clinical); coding-DNA position 5962, C replaced by G.
Protein change: p.Gln1988Glu; replaces glutamine 1988 with glutamic acid.
Molecular consequence: missense variant. On other transcripts: intron variant (10).
Genome position (GRCh38, 1-based): chr6:56,618,072, G>C on the plus strand (C>G on the coding strand, the complement: DST is on the minus strand). VCF-style: chr6-56618072-G-C. GRCh37 (hg19) VCF-style: chr6-56482870-G-C.
Other names: c.4831-3588C>G (NM_001144769.5); c.4930-3588C>G (NM_001374722.1, NM_001374736.1); c.4957-3588C>G (NM_001374734.1); c.4417-3588C>G (NM_001144770.2); c.4297-3588C>G (NM_001374730.1, NM_001386100.1, NM_183380.4 and 1 more transcripts); c.3319-3588C>G (NM_015548.5); short protein forms Q1988E.
Identifiers: ClinVar variation 952813 (VCV000952813.8), dbSNP rs535584360, ClinGen allele CA3870272.